The following is an entry in ClinVar:

ClinVar aggregate classification (germline): Likely benign. Review status: criteria provided, multiple submitters, no conflicts (2 of 4 stars). 2 submissions from 2 submitters: Likely benign (2). Last evaluated 2025-03-24.

Conditions:
Charcot-Marie-Tooth disease axonal type 2P. Also called: Charcot-Marie-Tooth Neuropathy Type 2G; CHARCOT-MARIE-TOOTH NEUROPATHY, TYPE 2P; CHARCOT-MARIE-TOOTH DISEASE, AXONAL, TYPE 2G; CMT 2G. Identifiers: Orphanet 300319, Orphanet 99941, MedGen C3280797, MONDO:0013753, OMIM 614436.

Allele frequency attached by ClinVar (database versions not stated): gnomAD 0.00001; gnomAD exomes 0.00003; ExAC 0.00006.
gnomAD v4.1: 29 of 1,610,628 alleles (0.0018%); highest among the groups gnomAD compares: East Asian, 0.0022%; no homozygotes.

Submissions (2):

Mayo Clinic Laboratories, Mayo Clinic
Classification: Likely benign. Last evaluated: 2025-03-24. Review status: criteria provided, single submitter. Criteria: ACMG Guidelines, 2015. Collection method: clinical testing. Allele origin: germline. Observed: 1 variant allele.
Comment: BP4, BP7

Labcorp Genetics (formerly Invitae), Labcorp
Classification: Likely benign for Charcot-Marie-Tooth disease axonal type 2P. Last evaluated: 2024-12-30. Review status: criteria provided, single submitter. Criteria: Invitae Variant Classification Sherloc (09022015). Collection method: clinical testing. Allele origin: germline.

NM_001005373.4(LRSAM1):c.564G>A (p.Pro188=)

Gene: LRSAM1 (leucine rich repeat and sterile alpha motif containing 1; plus strand). Cytogenetic location: 9q33.3.
Variant type: single nucleotide variant.
Coding change: c.564G>A on transcript NM_001005373.4 (MANE Select); coding-DNA position 564, G replaced by A.
Protein change: p.Pro188=; no amino-acid change (proline 188 retained).
Molecular consequence: synonymous variant. On other transcripts: 5 prime UTR variant (1), non-coding transcript variant (2).
Genome position (GRCh38, 1-based): chr9:127,467,775, G>A. VCF-style: chr9-127467775-G-A. GRCh37 (hg19) VCF-style: chr9-130230054-G-A.
Other names: p.Pro188=; c.564G>A, p.Pro188= (NM_001005374.4, NM_001190723.3, NM_001384142.1 and 2 more transcripts); c.-221G>A (NM_001384144.1).
Identifiers: ClinVar variation 1582865 (VCV001582865.9), dbSNP rs774399646, ClinGen allele CA5246599.